The following is an entry in ClinVar:

ClinVar aggregate classification (germline): Uncertain significance (1 of 4 stars; one submission).

Conditions:
Tuberous sclerosis 2 (TSC2). Identifiers: Orphanet 805, MedGen C1860707, MONDO:0013199, OMIM 613254.

Allele frequency attached by ClinVar (database versions not stated): gnomAD exomes below 0.00001.

Submission:

Labcorp Genetics (formerly Invitae), Labcorp
Classification: Uncertain significance for Tuberous sclerosis 2. Last evaluated: 2018-09-18. Review status: criteria provided, single submitter. Criteria: Invitae Variant Classification Sherloc (09022015). Collection method: clinical testing. Allele origin: germline.
Comment: This sequence change replaces glutamic acid with glycine at codon 558 of the TSC2 protein (p.Glu558Gly). The glutamic acid residue is highly conserved and there is a moderate physicochemical difference between glutamic acid and glycine. This variant is not present in population databases (ExAC no frequency). This variant has not been reported in the literature in individuals with TSC2-related disease. Algorithms developed to predict the effect of missense changes on protein structure and function are either unavailable or do not agree on the potential impact of this missense change (SIFT: "Deleterious"; PolyPhen-2: "Benign"; Align-GVGD: "Class C0"). In summary, the available evidence is currently insufficient to determine the role of this variant in disease. Therefore, it has been classified as a Variant of Uncertain Significance.

NM_000548.5(TSC2):c.1673A>G (p.Glu558Gly)

Gene: TSC2 (TSC complex subunit 2; plus strand). Cytogenetic location: 16p13.3.
Variant type: single nucleotide variant.
Coding change: c.1673A>G on transcript NM_000548.5 (MANE Select); coding-DNA position 1673, A replaced by G.
Protein change: p.Glu558Gly; replaces glutamic acid 558 with glycine.
Molecular consequence: missense variant.
Genome position (GRCh38, 1-based): chr16:2,065,592, A>G. VCF-style: chr16-2065592-A-G. GRCh37 (hg19) VCF-style: chr16-2115593-A-G.
Other names: c.1706A>G, p.Glu569Gly (NM_001318832.2); c.1673A>G, p.Glu558Gly (NM_001363528.2, NM_001370404.1, NM_001370405.1 and 3 more transcripts); c.1562A>G, p.Glu521Gly (NM_001318827.2); c.1526A>G, p.Glu509Gly (NM_001318829.2); c.1073A>G, p.Glu358Gly (NM_001318831.2); short protein forms E521G, E558G, E569G, E358G, E509G.
Identifiers: ClinVar variation 647663 (VCV000647663.8), dbSNP rs1596317476, ClinGen allele CA394270429.